The following is an entry in ClinVar:

NM_005732.4(RAD50):c.3476-2A>G

Genes: TH2-LCR (Th2 cytokine locus control region; plus strand), RAD50 (RAD50 double strand break repair protein; plus strand), TH2LCRR (T helper type 2 locus control region associated RNA; minus strand). Cytogenetic location: 5q31.1.
Variant type: single nucleotide variant.
Coding change: c.3476-2A>G on transcript NM_005732.4 (MANE Select); the canonical splice acceptor site of the intron before coding-DNA position 3476, A replaced by G.
Molecular consequence: splice acceptor variant. On other transcripts: non-coding transcript variant (2).
Genome position (GRCh38, 1-based): chr5:132,638,079, A>G. VCF-style: chr5-132638079-A-G. GRCh37 (hg19) VCF-style: chr5-131973771-A-G.
Identifiers: ClinVar variation 1504621 (VCV001504621.9), dbSNP rs2149863421, ClinGen allele CA360930975.

ClinVar aggregate classification (germline): Uncertain significance. Review status: criteria provided, multiple submitters, no conflicts (2 of 4 stars). 2 submissions from 2 submitters: Uncertain significance (2). Last evaluated 2023-06-29.

Conditions:
Hereditary cancer-predisposing syndrome. Also called: Hereditary neoplastic syndrome; Tumor predisposition; Neoplastic Syndromes, Hereditary; Hereditary Cancer Syndrome. Identifiers: Orphanet 140162, MedGen C0027672, MeSH D009386, MONDO:0015356.

Submissions (2):

Ambry Genetics
Classification: Uncertain significance for Hereditary cancer-predisposing syndrome. Last evaluated: 2023-06-29. Review status: criteria provided, single submitter. Criteria: Ambry Variant Classification Scheme 2023. Collection method: clinical testing. Allele origin: germline.
Comment: The c.3476-2A>G intronic variant results from an A to G substitution two nucleotides upstream from coding exon 23 in the RAD50 gene. This nucleotide position is highly conserved in available vertebrate species. Alterations that disrupt the canonical splice site are expected to result in aberrant splicing. In silico splice site analysis predicts that this alteration will weaken the native splice acceptor site and will result in the creation or strengthening of a novel splice acceptor site; however, direct evidence is insufficient at this time (Ambry internal data). The resulting transcript is predicted to be in-frame and is not expected to trigger nonsense-mediated mRNA decay; however, direct evidence is unavailable. The exact functional effect of the altered amino acid sequence is unknown. Since supporting evidence is limited at this time, the clinical significance of this alteration remains unclear.

Labcorp Genetics (formerly Invitae), Labcorp
Classification: Uncertain significance for Hereditary cancer-predisposing syndrome. Last evaluated: 2022-01-14. Review status: criteria provided, single submitter. Criteria: Invitae Variant Classification Sherloc (09022015). Collection method: clinical testing. Allele origin: germline.
Comment: In summary, the available evidence is currently insufficient to determine the role of this variant in disease. Therefore, it has been classified as a Variant of Uncertain Significance. Studies have shown that disruption of this splice site results in the activation of a cryptic splice site in exon 23 (Invitae). This variant has not been reported in the literature in individuals affected with RAD50-related conditions. This variant is not present in population databases (gnomAD no frequency). This sequence change affects an acceptor splice site in intron 22 of the RAD50 gene. RNA analysis indicates that disruption of this splice site induces altered splicing and likely results in the loss of 5 amino acid residue(s), but is expected to preserve the integrity of the reading-frame.